The following is an entry in ClinVar:

ClinVar aggregate classification (germline): Likely pathogenic (1 of 4 stars; one submission).

Conditions:
Developmental dysplasia of the hip. Also called: Hip dysplasia; Dysplasia of acetabulum; HIP DYSPLASIA, DEVELOPMENTAL; Congenital hip dysplasia. Identifiers: MedGen C4551649, MONDO:0000158, HP:0001385.

Submission:

Dubai Health Genomic Medicine Center, Dubai Health
Classification: Likely pathogenic for Hip dysplasia. Last evaluated: 2024-10-04. Review status: criteria provided, single submitter. Criteria: ACMG Guidelines, 2015. Collection method: research. Allele origin: germline. Affected: yes.
Comment: PM3,PP1,PM2,PP3

NM_018359.5(UFSP2):c.1376A>C (p.Asn459Thr)

Genes: ANKRD37 (ankyrin repeat domain 37; plus strand), UFSP2 (UFM1 specific peptidase 2; minus strand). Cytogenetic location: 4q35.1.
Variant type: single nucleotide variant.
Coding change: c.1376A>C on transcript NM_018359.5 (MANE Select); coding-DNA position 1376, A replaced by C.
Protein change: p.Asn459Thr; replaces asparagine 459 with threonine.
Molecular consequence: missense variant. On other transcripts: non-coding transcript variant (2).
Genome position (GRCh38, 1-based): chr4:185,400,426, T>G on the plus strand (A>C on the coding strand, the complement: UFSP2 is on the minus strand). VCF-style: chr4-185400426-T-G. GRCh37 (hg19) VCF-style: chr4-186321580-T-G.
Other names: c.1376A>C (NM_018359.4); short protein forms N459T.
Identifiers: ClinVar variation 1809662 (VCV001809662.3), dbSNP rs2477666289, ClinGen allele CA358910765.